The following is an entry in ClinVar:

NM_000352.6(ABCC8):c.3082del (p.Ala1028fs)

Gene: ABCC8 (ATP binding cassette subfamily C member 8; minus strand). Cytogenetic location: 11p15.1.
Variant type: Deletion.
Coding change: c.3082del on transcript NM_000352.6 (MANE Select); coding-DNA position 3082, one base deleted (G; older notation c.3082delG).
Protein change: p.Ala1028fs; shifts the reading frame from alanine 1028.
Molecular consequence: frameshift variant. On other transcripts: non-coding transcript variant (1).
Genome position (GRCh38, 1-based): chr11:17,406,968, C deleted on the plus strand (G on the coding strand, the reverse complement: ABCC8 is on the minus strand); the first of 2 consecutive C bases (chr11:17,406,968-17,406,969); deleting either gives the same sequence. VCF-style (leftmost placement, unchanged base first): chr11-17406967-GC-G. GRCh37 (hg19) VCF-style: chr11-17428514-GC-G.
Other names: c.3085del, p.Ala1029fs (NM_001287174.3); c.3148del, p.Ala1050fs (NM_001351295.2); c.3082del, p.Ala1028fs (NM_001351296.2); c.3079del, p.Ala1027fs (NM_001351297.2); short protein forms A1027fs, A1028fs, A1029fs, A1050fs.
Identifiers: ClinVar variation 845991 (VCV000845991.11), dbSNP rs1954568421, ClinGen allele CA916083235.

ClinVar aggregate classification (germline): Conflicting classifications of pathogenicity. Review status: criteria provided, conflicting classifications (1 of 4 stars). 4 submissions from 3 submitters: Pathogenic (2); Uncertain significance (2). Last evaluated 2024-01-27.

Conditions:
Transitory neonatal diabetes mellitus. Also called: Transient neonatal diabetes mellitus. Identifiers: MedGen C0342273, MONDO:0020525, HP:0008255.
Type 2 diabetes mellitus. Also called: Type II diabetes mellitus. Identifiers: MedGen C0011860, MeSH D003924, MONDO:0005148, OMIM 125853, HP:0005978.
Maturity-onset diabetes of the young (MODY). Also called: Maturity onset diabetes mellitus in young. Identifiers: Orphanet 552, MedGen C0342276, MONDO:0018911, HP:0004904.

Submissions (4):

Baylor Genetics
Classification: Pathogenic for Type 2 diabetes mellitus. Last evaluated: 2024-01-27. Review status: criteria provided, single submitter. Criteria: ACMG Guidelines, 2015. Collection method: clinical testing. Allele origin: unknown.

Labcorp Genetics (formerly Invitae), Labcorp
Classification: Pathogenic. Last evaluated: 2019-11-30. Review status: criteria provided, single submitter. Criteria: Invitae Variant Classification Sherloc (09022015). Collection method: clinical testing. Allele origin: germline.
Comment: For these reasons, this variant has been classified as Pathogenic. Loss-of-function variants in ABCC8 are known to be pathogenic (PMID: 20685672, 23345197). This variant has been observed in individual(s) with congenital hyperinsulinism (PMID: 16357843, 23275527). This variant is also known as 3084 del g and c.3085delG in the literature. This variant is not present in population databases (ExAC no frequency). This sequence change creates a premature translational stop signal (p.Ala1028Profs*14) in the ABCC8 gene. It is expected to result in an absent or disrupted protein product.

Clinical Genomics, Uppaluri K&H Personalized Medicine Clinic
Classification: Uncertain significance for Maturity-onset diabetes of the young. Review status: criteria provided, single submitter. Criteria: K & H Uppaluri Personalized Medicine Clinic Variant Classification & Assertion Criteria_Updated V.1. Collection method: research. Allele origin: unknown. Inheritance: Somatic mutation.
Comment: Mutations in ABCC8 gene are associated with both neonatal diabetes mellitus as well as MODY. Patients with this mutation may have a better response to sulfonylureas. However, no sufficient evidence is found to ascertain the role of this particular variant (rs1954568421) in MODY yet.

Clinical Genomics, Uppaluri K&H Personalized Medicine Clinic
Classification: Uncertain significance for Transitory neonatal diabetes mellitus. Review status: criteria provided, single submitter. Criteria: K & H Uppaluri Personalized Medicine Clinic Variant Classification & Assertion Criteria_Updated V.1. Collection method: research. Allele origin: unknown. Inheritance: Somatic mutation.
Comment: Mutations in ABCC8 gene are associated with both neonatal diabetes mellitus as well as MODY. Patients with this mutation may have a better response to sulfonylureas. However, no sufficient evidence is found to ascertain the role of this particular variant (rs1954568421) in neonatal diabetes yet.

Literature cited by the submitters: PubMed 20685672 (cited by Labcorp Genetics (formerly Invitae), Labcorp); PubMed 23345197 (cited by Labcorp Genetics (formerly Invitae), Labcorp); PubMed 16357843 (cited by Labcorp Genetics (formerly Invitae), Labcorp); PubMed 23275527 (cited by Labcorp Genetics (formerly Invitae), Labcorp); PubMed 16885549 (cited by Clinical Genomics, Uppaluri K&H Personalized Medicine Clinic); PubMed 21989597 (cited by Clinical Genomics, Uppaluri K&H Personalized Medicine Clinic); PubMed 27538677 (cited by Clinical Genomics, Uppaluri K&H Personalized Medicine Clinic); PubMed 18981553 (cited by Clinical Genomics, Uppaluri K&H Personalized Medicine Clinic); PubMed 32027066 (cited by Clinical Genomics, Uppaluri K&H Personalized Medicine Clinic); PubMed 16613899 (cited by Clinical Genomics, Uppaluri K&H Personalized Medicine Clinic); PubMed 18025408 (cited by Clinical Genomics, Uppaluri K&H Personalized Medicine Clinic); PubMed 32792356 (cited by Clinical Genomics, Uppaluri K&H Personalized Medicine Clinic).